The following is an entry in ClinVar:

NM_000548.5(TSC2):c.1981G>T (p.Gly661Cys)

Gene: TSC2 (TSC complex subunit 2; plus strand). Cytogenetic location: 16p13.3.
Variant type: single nucleotide variant.
Coding change: c.1981G>T on transcript NM_000548.5 (MANE Select); coding-DNA position 1981, G replaced by T.
Protein change: p.Gly661Cys; replaces glycine 661 with cysteine.
Molecular consequence: missense variant. On other transcripts: non-coding transcript variant (5).
Genome position (GRCh38, 1-based): chr16:2,071,818, G>T. VCF-style: chr16-2071818-G-T. GRCh37 (hg19) VCF-style: chr16-2121819-G-T.
Other names: c.637G>T, p.Gly213Cys (NM_001406692.1, NM_001406693.1, NM_001406694.1 and 6 more transcripts); c.1981G>T, p.Gly661Cys (NM_001406665.1, NM_001077183.3, NM_001114382.3 and 6 more transcripts); c.2071G>T, p.Gly691Cys (NM_001406667.1, NM_001406668.1); c.1870G>T, p.Gly624Cys (NM_001406670.1, NM_001406678.1, NM_001318827.2); c.1969G>T, p.Gly657Cys (NM_001406671.1, NM_001406673.1); c.1834G>T, p.Gly612Cys (NM_001406675.1, NM_001406676.1, NM_001318829.2 and 1 more transcripts); c.1924G>T, p.Gly642Cys (NM_001406677.1); c.1381G>T, p.Gly461Cys (NM_001406688.1, NM_001318831.2, NM_001406680.1 and 6 more transcripts); and 3 more; short protein forms G213C, G642C, G672C, G691C, G127C, G661C, G461C, G624C.
Identifiers: ClinVar variation 2897020 (VCV002897020.4), dbSNP rs137854168, ClinGen allele CA394274375.
Genomic context (GRCh38, chr16:2,071,818, plus strand): 5'-CTCAGCTGCTTCTCTTGCTTCTGCAGGGAGCCAGAGAGAGGCTCTGAGAAGAAGACCAGC[G>T]GCCCCCTTTCTCCTCCCACAGGGCCTCCTGGCCCGGCGCCTGCAGGCCCCGCCGTGCGGC-3'
Protein context (NP_000539.2, residues 651-671): PERGSEKKTS[Gly661Cys]PLSPPTGPPG

ClinVar aggregate classification (germline): Uncertain significance. Review status: criteria provided, multiple submitters, no conflicts (2 of 4 stars). 2 submissions from 2 submitters: Uncertain significance (2). Last evaluated 2023-06-04.

Conditions:
Hereditary cancer-predisposing syndrome. Also called: Neoplastic Syndromes, Hereditary; Tumor predisposition; Hereditary neoplastic syndrome; Hereditary Cancer Syndrome. Identifiers: Orphanet 140162, MedGen C0027672, MeSH D009386, MONDO:0015356.
Tuberous sclerosis 2 (TSC2). Identifiers: Orphanet 805, MedGen C1860707, MONDO:0013199, OMIM 613254.

gnomAD v4.1: 1 of 1,601,180 alleles (0.000062%); highest among the groups gnomAD compares: Non-Finnish European, 0.000085%; no homozygotes.

Submissions (2):

Labcorp Genetics (formerly Invitae), Labcorp
Classification: Uncertain significance for Tuberous sclerosis 2. Last evaluated: 2023-06-04. Review status: criteria provided, single submitter. Criteria: Invitae Variant Classification Sherloc (09022015). Collection method: clinical testing. Allele origin: germline.
Comment: In summary, the available evidence is currently insufficient to determine the role of this variant in disease. Therefore, it has been classified as a Variant of Uncertain Significance. Advanced modeling of protein sequence and biophysical properties (such as structural, functional, and spatial information, amino acid conservation, physicochemical variation, residue mobility, and thermodynamic stability) performed at Invitae indicates that this missense variant is not expected to disrupt TSC2 protein function. This variant has not been reported in the literature in individuals affected with TSC2-related conditions. This variant is not present in population databases (gnomAD no frequency). This sequence change replaces glycine, which is neutral and non-polar, with cysteine, which is neutral and slightly polar, at codon 661 of the TSC2 protein (p.Gly661Cys).

Ambry Genetics
Classification: Uncertain significance for Hereditary cancer-predisposing syndrome. Last evaluated: 2023-01-06. Review status: criteria provided, single submitter. Criteria: Ambry Variant Classification Scheme 2023. Collection method: clinical testing. Allele origin: germline.
Comment: The p.G661C variant (also known as c.1981G>T), located in coding exon 18 of the TSC2 gene, results from a G to T substitution at nucleotide position 1981. The glycine at codon 661 is replaced by cysteine, an amino acid with highly dissimilar properties. This amino acid position is conserved. In addition, the in silico prediction for this alteration is inconclusive. Since supporting evidence is limited at this time, the clinical significance of this alteration remains unclear.